The following is an entry in ClinVar:

ClinVar aggregate classification (germline): Pathogenic/Likely pathogenic. Review status: criteria provided, multiple submitters, no conflicts (2 of 4 stars). 2 submissions from 2 submitters: Pathogenic (1); Likely pathogenic (1). Last evaluated 2024-11-18.

Conditions:
Dihydropyrimidine dehydrogenase deficiency (DPYDD). Also called: DPD DEFICIENCY; DPYD DEFICIENCY; Hereditary Thymine-Uraciluria. Identifiers: Orphanet 1675, MedGen C1959620, MONDO:0010130, OMIM 274270.

gnomAD v4.1: 1 of 1,613,770 alleles (0.000062%); highest among the groups gnomAD compares: South Asian, 0.0011%; no homozygotes.

Submissions (2):

Women's Health and Genetics/Laboratory Corporation of America, LabCorp
Classification: Pathogenic for Dihydropyrimidine dehydrogenase deficiency. Last evaluated: 2024-11-18. Review status: criteria provided, single submitter. Criteria: LabCorp Variant Classification Summary - May 2015. Collection method: clinical testing. Allele origin: germline.
Comment: Variant summary: DPYD c.205G>T (p.Glu69X) results in a premature termination codon, predicted to cause a truncation of the encoded protein or absence of the protein due to nonsense mediated decay, which are commonly known mechanisms for disease. The variant was absent in 250992 control chromosomes. To our knowledge, no occurrence of c.205G>T in individuals affected with Dihydropyrimidine Dehydrogenase Deficiency and no experimental evidence demonstrating its impact on protein function have been reported. ClinVar contains an entry for this variant (Variation ID: 2674920). Based on the evidence outlined above, the variant was classified as pathogenic.

Baylor Genetics
Classification: Likely pathogenic for Dihydropyrimidine dehydrogenase deficiency. Last evaluated: 2023-07-06. Review status: criteria provided, single submitter. Criteria: ACMG Guidelines, 2015. Collection method: clinical testing. Allele origin: unknown.

NM_000110.4(DPYD):c.205G>T (p.Glu69Ter)

Gene: DPYD (dihydropyrimidine dehydrogenase; minus strand). Cytogenetic location: 1p21.3.
Variant type: single nucleotide variant.
Coding change: c.205G>T on transcript NM_000110.4 (MANE Select); coding-DNA position 205, G replaced by T.
Protein change: p.Glu69Ter; replaces glutamic acid 69 with a stop codon.
Molecular consequence: nonsense.
Genome position (GRCh38, 1-based): chr1:97,828,142, C>A on the plus strand (G>T on the coding strand, the complement: DPYD is on the minus strand). VCF-style: chr1-97828142-C-A. GRCh37 (hg19) VCF-style: chr1-98293698-C-A.
Other names: c.205G>T, p.Glu69Ter (NM_001160301.1); short protein forms E69*.
Identifiers: ClinVar variation 2674920 (VCV002674920.2), dbSNP rs2525245079, ClinGen allele CA341379423.